The following is an entry in ClinVar:

ClinVar aggregate classification (germline): Uncertain significance. Review status: criteria provided, multiple submitters, no conflicts (2 of 4 stars). 2 submissions from 2 submitters: Uncertain significance (2). Last evaluated 2023-12-01.

Allele frequency attached by ClinVar (database versions not stated): gnomAD 0.00001; gnomAD exomes 0.00001; ExAC 0.00002; TOPMed 0.00003.
gnomAD v4.1: 5 of 1,612,750 alleles (0.00031%); highest among the groups gnomAD compares: African/African-American, 0.0067%; no homozygotes.

Submissions (2):

Blueprint Genetics
Classification: Uncertain significance. Last evaluated: 2023-12-01. Review status: criteria provided, single submitter. Criteria: ACMG Guidelines, 2015. Collection method: clinical testing. Allele origin: germline.

Labcorp Genetics (formerly Invitae), Labcorp
Classification: Uncertain significance. Last evaluated: 2022-09-12. Review status: criteria provided, single submitter. Criteria: Invitae Variant Classification Sherloc (09022015). Collection method: clinical testing. Allele origin: germline.
Comment: This sequence change replaces isoleucine, which is neutral and non-polar, with threonine, which is neutral and polar, at codon 72 of the TMEM126B protein (p.Ile72Thr). This variant is present in population databases (rs750984406, gnomAD 0.01%). This variant has not been reported in the literature in individuals affected with TMEM126B-related conditions. Algorithms developed to predict the effect of missense changes on protein structure and function output the following: SIFT: "Tolerated"; PolyPhen-2: "Benign"; Align-GVGD: "Class C0". The threonine amino acid residue is found in multiple mammalian species, which suggests that this missense change does not adversely affect protein function. In summary, the available evidence is currently insufficient to determine the role of this variant in disease. Therefore, it has been classified as a Variant of Uncertain Significance.

NM_018480.7(TMEM126B):c.215T>C (p.Ile72Thr)

Gene: TMEM126B (transmembrane protein 126B; plus strand). Cytogenetic location: 11q14.1.
Variant type: single nucleotide variant.
Coding change: c.215T>C on transcript NM_018480.7 (MANE Select); coding-DNA position 215, T replaced by C.
Protein change: p.Ile72Thr; replaces isoleucine 72 with threonine.
Molecular consequence: missense variant. On other transcripts: synonymous variant (1), non-coding transcript variant (2).
Genome position (GRCh38, 1-based): chr11:85,634,097, T>C. VCF-style: chr11-85634097-T-C. GRCh37 (hg19) VCF-style: chr11-85345141-T-C.
Other names: c.155T>C, p.Ile52Thr (NM_001193537.3, NM_001350395.2); c.125T>C, p.Ile42Thr (NM_001193538.3, NM_001256546.2, NM_001350396.2); c.77T>C, p.Ile26Thr (NM_001256547.2); c.93T>C, p.Tyr31= (NM_001350393.1); c.215T>C, p.Ile72Thr (NM_001350394.2); short protein forms I72T, I42T, I52T, I26T.
Identifiers: ClinVar variation 2175844 (VCV002175844.2), dbSNP rs750984406, ClinGen allele CA6212438.
Genomic context (GRCh38, chr11:85,634,097, plus strand): 5'-CATTAAGTTCAATGGTATAGTGAACTGAATTTTTCTTTTTTTCTATTAGGACACAAAATA[T>C]ATATCAAATGGCGACATTTGGAACAACAGCTGGTTTCTCTGGAATATTCTCAAACTTCCT-3'
Protein context (NP_060950.3, residues 62-82): DYLRKEMTQN[Ile72Thr]YQMATFGTTA